The following is an entry in ClinVar:

NM_004006.3(DMD):c.7159C>T (p.Gln2387Ter)

Gene: DMD (dystrophin; minus strand). Cytogenetic location: Xp21.1.
Variant type: single nucleotide variant.
Coding change: c.7159C>T on transcript NM_004006.3 (MANE Select); coding-DNA position 7159, C replaced by T.
Protein change: p.Gln2387Ter; replaces glutamine 2387 with a stop codon.
Molecular consequence: nonsense. On other transcripts: 5 prime UTR variant (5).
Genome position (GRCh38, 1-based): chrX:31,836,759, G>A on the plus strand (C>T on the coding strand, the complement: DMD is on the minus strand). VCF-style: chrX-31836759-G-A. GRCh37 (hg19) VCF-style: chrX-31854876-G-A.
Other names: NM_004006.3(DMD):c.7159C>T; p.Gln2387Ter; c.7135C>T, p.Gln2379Ter (NM_000109.4); c.7147C>T, p.Gln2383Ter (NM_004009.3); c.6790C>T, p.Gln2264Ter (NM_004010.3); c.3136C>T, p.Gln1046Ter (NM_004011.4); c.3127C>T, p.Gln1043Ter (NM_004012.4); c.-222C>T (NM_004013.3, NM_004020.4, NM_004021.3 and 2 more transcripts); short protein forms Q2387*, Q1043*, Q1046*, Q2264*, Q2379*, Q2383*.
Identifiers: ClinVar variation 502009 (VCV000502009.9), dbSNP rs1556930579, ClinGen allele CA412659306.

ClinVar aggregate classification (germline): Pathogenic. Review status: criteria provided, multiple submitters, no conflicts (2 of 4 stars). 4 submissions from 4 submitters: Pathogenic (4). Last evaluated 2023-05-02.

Conditions:
Duchenne muscular dystrophy (DMD). Also called: MUSCULAR DYSTROPHY, PSEUDOHYPERTROPHIC PROGRESSIVE, DUCHENNE TYPE; Duchenne Muscular Dystrophy (DMD). Identifiers: Orphanet 98896, MedGen C0013264, MONDO:0010679, OMIM 310200.
Duchenne and Becker muscular dystrophy. Also called: Duchenne / Becker Muscular Dystrophy. Identifiers: Orphanet 262, MedGen C3542021. Disease mechanism: loss of function.
Cardiovascular phenotype. Identifiers: MedGen CN230736.

Submissions (4):

Broad Center for Mendelian Genomics, Broad Institute of MIT and Harvard
Classification: Pathogenic for Duchenne and Becker muscular dystrophy. Last evaluated: 2023-05-02. Review status: criteria provided, single submitter. Criteria: ACMG Guidelines, 2015. Collection method: curation. Allele origin: germline. Inheritance: X-linked inheritance.
Comment: The p.Gln2387Ter variant in DMD has been previously reported in 3 unrelated individuals with DMD-associated muscular dystrophy (PMID: 32813700, ClinVar SCV002665582.1). The number of reported affected individuals with this variant is slightly greater than expected compared to non-affected individuals with this variant. This variant has also been reported in ClinVar (Variation ID: 502009) and has been interpreted as pathogenic by Eurofins NTD LLC, National & Kapodistrian University of Athens Laboratory of Medical Genetics, and Ambry Genetics. This variant was absent from large population studies. This nonsense variant leads to a premature termination codon at position 2387, which is predicted to lead to a truncated or absent protein. Loss of function of the DMD gene is an established disease mechanism in X-linked DMD-associated muscular dystrophy. In summary, this variant meets criteria to be classified as pathogenic for X-linked DMD-associated muscular dystrophy. ACMG/AMP Criteria applied: PVS1, PS4_Moderate, PM2_Supporting (Richards 2015).

Laboratory of Medical Genetics, National & Kapodistrian University of Athens
Classification: Pathogenic for Duchenne muscular dystrophy. Last evaluated: 2021-08-10. Review status: criteria provided, single submitter. Criteria: ACMG Guidelines, 2015. Collection method: clinical testing. Allele origin: unknown. Affected: yes.
Comment: PVS1, PM2, PP3, PP5

Ambry Genetics
Classification: Pathogenic for Cardiovascular phenotype. Last evaluated: 2021-02-08. Review status: criteria provided, single submitter. Criteria: Ambry Variant Classification Scheme 2023. Collection method: clinical testing. Allele origin: germline.
Comment: The p.Q2387* pathogenic mutation (also known as c.7159C>T), located in coding exon 49 of the DMD gene, results from a C to T substitution at nucleotide position 7159. This changes the amino acid from a glutamine to a stop codon within coding exon 49. This alteration is expected to result in loss of function by premature protein truncation or nonsense-mediated mRNA decay. As such, this alteration is interpreted as a disease-causing mutation.

Eurofins Ntd Llc (ga)
Classification: Pathogenic. Last evaluated: 2017-05-16. Review status: criteria provided, single submitter. Criteria: EGL Classification Definitions 2015. Collection method: clinical testing. Allele origin: germline. Observed: 1 variant allele, 1 hemizygote.

Literature cited by the submitters: PubMed 34008892 (cited by Laboratory of Medical Genetics, National & Kapodistrian University of Athens).